The following is an entry in ClinVar:

ClinVar aggregate classification (germline): Pathogenic. Review status: criteria provided, multiple submitters, no conflicts (2 of 4 stars). 15 submissions from 15 submitters: Pathogenic (12). 3 of the submissions do not count toward it. Last evaluated 2026-07-01.

Conditions:
Glycogen storage disease, type II (IOPD). Also called: GLYCOGENOSIS, GENERALIZED, CARDIAC FORM; GSD II; POMPE DISEASE, INFANTILE-ONSET; GLYCOGEN STORAGE DISEASE II, INFANTILE-ONSET; ACID ALPHA-GLUCOSIDASE DEFICIENCY, INFANTILE-ONSET; GAA DEFICIENCY, INFANTILE-ONSET. Identifiers: Orphanet 365, MedGen C0017921, MONDO:0009290, OMIM 232300.

Allele frequency attached by ClinVar (database versions not stated): gnomAD exomes below 0.00001 and 0.00001; TOPMed below 0.00001; gnomAD 0.00001.
gnomAD v4.1: 6 of 1,611,764 alleles (0.00037%); highest among the groups gnomAD compares: Admixed American, 0.0033%; no homozygotes.

Submissions (15):

Genomenon, Inc
Classification: Pathogenic for Glycogen storage disease, type II. Last evaluated: 2026-07-01. Review status: criteria provided, single submitter. Criteria: Genomenon Sequence Variant Interpretation Standards - Updated. Collection method: curation. Allele origin: germline. Affected: yes.
Comment: GAA p.Tyr292Cys (c.875A>G) is a missense variant that changes the amino acid at codon 292 from Tyrosine to Cysteine. This variant has been observed in at least one proband with a GAA-related disorder in the compound heterozygous and/or homozygous state (PMID:39213226;38958145;37002894;34072668;34020684;33741225;33304817;21940687;27189384;17616415;23884227). At least one functional study has demonstrated a substantial alteration in protein function relative to the wild-type (PMID:19862843). It is absent or not present at a significant frequency in gnomAD. In silico models predict that this variant is possibly or probably damaging. In conclusion, we classify GAA p.Tyr292Cys (c.875A>G) as a pathogenic variant.

Natera, Inc.
Classification: Pathogenic for Glycogen storage disease type II. Last evaluated: 2025-11-04. Review status: criteria provided, single submitter. Criteria: Natera Variant Classification Schema (03/2026). Collection method: clinical testing. Allele origin: germline.
Comment: The c.875A>G variant in GAA is a missense variant predicted to cause substitution of tyrosine to cysteine at amino acid 292. This variant is rare in the general population with a frequency below the threshold expected for the associated phenotype(s). This variant has been observed in one or more individuals affected with the associated recessive disease, as either homozygous or compound heterozygous with a second variant (PMID: 33741225, 25998610, 21940687, 23884227). This variant has been identified in one or more affected individuals with a phenotype highly consistent with the associated gene (PMID:21940687). Computational prediction algorithms indicate this variant is likely to affect gene or protein function. Given the available evidence, this variant is classified as Pathogenic.

3billion
Classification: Pathogenic for Glycogen storage disease, type II. Last evaluated: 2025-03-07. Review status: criteria provided, single submitter. Criteria: ACMG Guidelines, 2015. Collection method: clinical testing. Allele origin: germline. Affected: yes.
Comment: The variant is observed at an extremely low frequency in the gnomAD v4.1.0 dataset (total allele frequency: <0.001%). Predicted Consequence/Location: Missense variant Functional studies provide strong evidence of the variant having a damaging effect on the gene or gene product (PMID: 14695532). In silico tool predictions suggest damaging effect of the variant on gene or gene product [REVEL: 0.92 (>=0.6, sensitivity 0.68 and specificity 0.92); 3Cnet: 0.99 (> 0.75, sensitivity 0.96 and precision 0.92)]. The same nucleotide change resulting in the same amino acid change has been previously reported as pathogenic/likely pathogenic with strong evidence (ClinVar ID: VCV000370577 / PMID: 10528311). A different missense change at the same codon (p.Tyr292His) has been reported to be associated with GAA-related disorder (ClinVar ID: VCV002441613). Therefore, this variant is classified as Pathogenic according to the recommendation of ACMG/AMP guideline.

GeneDx
Classification: Pathogenic. Last evaluated: 2024-12-18. Review status: criteria provided, single submitter. Criteria: GeneDx Variant Classification Process June 2021. Collection method: clinical testing. Allele origin: germline. Affected: yes.
Comment: Published functional studies found this variant is associated with significantly reduced enzyme activity (PMID: 19862843, 14695532); Not observed at significant frequency in large population cohorts (gnomAD); In silico analysis supports that this missense variant has a deleterious effect on protein structure/function; This variant is associated with the following publications: (PMID: 34530085, 27189384, 14695532, 10528311, 25213570, 23884227, 17616415, 31589614, 29556838, 33741225, 35314707, 19343043, 22253258, 19862843, 25998610, 11738358, 21940687)

Baylor Genetics
Classification: Pathogenic for Glycogen storage disease, type II. Last evaluated: 2023-11-22. Review status: criteria provided, single submitter. Criteria: ACMG Guidelines, 2015. Collection method: clinical testing. Allele origin: unknown.

Labcorp Genetics (formerly Invitae), Labcorp
Classification: Pathogenic for Glycogen storage disease, type II. Last evaluated: 2023-09-03. Review status: criteria provided, single submitter. Criteria: Invitae Variant Classification Sherloc (09022015). Collection method: clinical testing. Allele origin: germline.
Comment: ClinVar contains an entry for this variant (Variation ID: 370577). This missense change has been observed in individual(s) with glycogen storage disease type II (PMID: 10528311, 21940687, 23884227, 25213570). In at least one individual the data is consistent with being in trans (on the opposite chromosome) from a pathogenic variant. This variant is present in population databases (no rsID available, gnomAD 0.006%). This sequence change replaces tyrosine, which is neutral and polar, with cysteine, which is neutral and slightly polar, at codon 292 of the GAA protein (p.Tyr292Cys). Advanced modeling of protein sequence and biophysical properties (such as structural, functional, and spatial information, amino acid conservation, physicochemical variation, residue mobility, and thermodynamic stability) performed at Invitae indicates that this missense variant is expected to disrupt GAA protein function. For these reasons, this variant has been classified as Pathogenic. Experimental studies have shown that this missense change affects GAA function (PMID: 19862843).

Fulgent Genetics
Classification: Pathogenic for Glycogen storage disease, type II. Last evaluated: 2022-01-14. Review status: criteria provided, single submitter. Criteria: ACMG Guidelines, 2015. Collection method: clinical testing. Allele origin: unknown.

Revvity Omics, Revvity
Classification: Pathogenic. Last evaluated: 2021-08-27. Review status: criteria provided, single submitter. Criteria: ACMG Guidelines, 2015. Collection method: clinical testing. Allele origin: germline.

Institute of Medical Genetics and Genomics, Sir Ganga Ram Hospital
Classification: Pathogenic for Glycogen storage disease, type II. Last evaluated: 2020-10-15. Review status: criteria provided, single submitter. Criteria: ACMG Guidelines, 2015. Collection method: clinical testing. Allele origin: germline. Inheritance: Autosomal recessive inheritance. Affected: yes. Observed: 1 homozygote.
Comment: The variant c.875A >G in exon 5 has been reported by Castro- Gago et. al . 1999 PMID:10528311

Broad Center for Mendelian Genomics, Broad Institute of MIT and Harvard
Classification: Pathogenic for Glycogen storage disease, type II. Last evaluated: 2020-01-22. Review status: criteria provided, single submitter. Criteria: ACMG Guidelines, 2015. Collection method: curation. Allele origin: germline. Inheritance: Autosomal recessive inheritance.
Comment: This variant has been identified in 0.006% (2/34222) of Latino chromosomes by the Genome Aggregation Database (gnomAD; dbSNP rs1057516600). Although this variant has been seen in the general population, its frequency is low enough to be consistent with a recessive carrier frequency. In vitro functional studies with COS cells transfected with this variant provide some evidence that the p.Tyr292Cys variant may impact GAA activity (PMID: 19862843, 14695532, 11927738). However, these types of assays may not accurately represent biological function. Computational prediction tools and conservation analyses suggest that this variant may impact the protein, though this information is not predictive enough to determine pathogenicity. The presence of this variant in combination with pathogenic variants and in individuals with Glycogen Storage Disease II increases the likelihood that the p.Tyr292Cys variant is pathogenic (PMID: 10528311, 17616415). The phenotype of individuals heterozygous for this variant is highly specific for Glycogen Storage Disease II based on reduced GAA activity detected by assays of relevant tissues, consistent with disease (PMID: 17616415, 11927738, 10528311). In summary, this variant meets criteria to be classified as pathogenic for Glycogen Storage Disease II in an autosomal recessive manner based on evidence from in vitro functional studies and multiple occurrences with variants associated with disease in individuals with Glycogen Storage Disease II. ACMG/AMP Criteria applied: PS3, PM3, PM2, PP3, PP4 (Richards 2015).

Women's Health and Genetics/Laboratory Corporation of America, LabCorp
Classification: Pathogenic for Glycogen storage disease, type II. Last evaluated: 2018-04-16. Review status: criteria provided, single submitter. Criteria: LabCorp Variant Classification Summary - May 2015. Collection method: clinical testing. Allele origin: germline.
Comment: Variant summary: GAA c.875A>G (p.Tyr292Cys) results in a non-conservative amino acid change located in the Glycoside hydrolase family 31, N-terminal domain of the encoded protein sequence. Five of five in-silico tools predict a damaging effect of the variant on protein function. The variant was observed with an allele frequency of 8.3e-06 in 241494 control chromosomes (gnomAD). This frequency is not significantly higher than expected for a pathogenic variant in GAA causing Glycogen Storage Disease, Type 2 (Pompe Disease) (8.3e-06 vs 0.0042), allowing no conclusion about variant significance. The variant, c.875A>G, has been reported in the literature in individuals affected with Glycogen Storage Disease, Type 2 (Pompe Disease)(Gort_2007, Gutierrez-Rivas_2015, Hermans_2004, Park_2013). These data indicate that the variant is likely to be associated with disease. At least one publication reports experimental evidence evaluating an impact on protein function. The most pronounced variant effect results in 10%-<30% of normal activity. A ClinVar submission from a clinical diagnostic laboratory (evaluation after 2014) cite the variant as "likely pathogenic." Based on the evidence outlined above, the variant was classified as pathogenic.

Eurofins Ntd Llc (ga)
Classification: Pathogenic. Last evaluated: 2017-11-22. Review status: criteria provided, single submitter. Criteria: EGL Classification Definitions 2015. Collection method: clinical testing. Allele origin: germline. Observed: 3 variant alleles, 3 heterozygotes.

Counsyl
Classification: Likely pathogenic for Glycogen storage disease, type II. Last evaluated: 2016-03-03. Review status: no assertion criteria provided. Collection method: clinical testing. Allele origin: unknown. Not counted in ClinVar's aggregate classification.

Clinical Genetics DNA and cytogenetics Diagnostics Lab, Erasmus MC, Erasmus Medical Center
Classification: Pathogenic. Review status: no assertion criteria provided. Collection method: clinical testing. Allele origin: germline. Affected: yes. Study: VKGL Data-share Consensus. Not counted in ClinVar's aggregate classification.

Genome Diagnostics Laboratory, University Medical Center Utrecht
Classification: Pathogenic. Review status: no assertion criteria provided. Collection method: clinical testing. Allele origin: germline. Affected: yes. Study: VKGL Data-share Consensus. Not counted in ClinVar's aggregate classification.

Literature cited by the submitters: PubMed 39213226 (cited by Genomenon, Inc); PubMed 38958145 (cited by Genomenon, Inc); PubMed 37002894 (cited by Genomenon, Inc); PubMed 34072668 (cited by Genomenon, Inc); PubMed 34020684 (cited by Genomenon, Inc); PubMed 33741225 (cited by Genomenon, Inc and Natera, Inc.); PubMed 33304817 (cited by Genomenon, Inc); PubMed 21940687 (cited by 3 submitters); PubMed 27189384 (cited by Genomenon, Inc); PubMed 17616415 (cited by 4 submitters); PubMed 23884227 (cited by 6 submitters); PubMed 19862843 (cited by 4 submitters); PubMed 25998610 (cited by 4 submitters); PubMed 14695532 (cited by 4 submitters); PubMed 10528311 (cited by 4 submitters); PubMed 25213570 (cited by Labcorp Genetics (formerly Invitae), Labcorp); PubMed 11927738 (cited by Broad Center for Mendelian Genomics, Broad Institute of MIT and Harvard).

NM_000152.5(GAA):c.875A>G (p.Tyr292Cys)

Gene: GAA (alpha glucosidase; plus strand). Cytogenetic location: 17q25.3.
Variant type: single nucleotide variant.
Coding change: c.875A>G on transcript NM_000152.5 (MANE Select); coding-DNA position 875, A replaced by G.
Protein change: p.Tyr292Cys; replaces tyrosine 292 with cysteine.
Molecular consequence: missense variant.
Genome position (GRCh38, 1-based): chr17:80,107,816, A>G. VCF-style: chr17-80107816-A-G. GRCh37 (hg19) VCF-style: chr17-78081615-A-G.
Other names: c.875A>G (LRG_673t1, NM_000152.4); c.875A>G, p.Tyr292Cys (NM_001079803.3, NM_001079804.3); short protein forms Y292C.
Identifiers: ClinVar variation 370577 (VCV000370577.34), dbSNP rs1057516600, ClinGen allele CA16041886.